The following is an entry in ClinVar:

ClinVar aggregate classification (germline): Pathogenic (1 of 4 stars; one submission).

Conditions:
Leber congenital amaurosis 6 (LCA6). Identifiers: Orphanet 65, MedGen C1854260, MONDO:0013446, OMIM 613826.
Cone-rod dystrophy 13 (CORD13). Identifiers: Orphanet 1872, MedGen C2750720, MONDO:0011987, OMIM 608194.

Allele frequency attached by ClinVar (database versions not stated): gnomAD exomes below 0.00001; gnomAD 0.00001; TOPMed 0.00001.

Submission:

Labcorp Genetics (formerly Invitae), Labcorp
Classification: Pathogenic for Leber congenital amaurosis 6; Cone-rod dystrophy 13. Last evaluated: 2025-06-08. Review status: criteria provided, single submitter. Criteria: Invitae Variant Classification Sherloc (09022015). Collection method: clinical testing. Allele origin: germline.
Comment: This sequence change creates a premature translational stop signal (p.Asn222*) in the RPGRIP1 gene. It is expected to result in an absent or disrupted protein product. Loss-of-function variants in RPGRIP1 are known to be pathogenic (PMID: 11528500, 23105016). This variant is present in population databases (no rsID available, gnomAD 0.0009%). This variant has not been reported in the literature in individuals affected with RPGRIP1-related conditions. ClinVar contains an entry for this variant (Variation ID: 1357904). Algorithms developed to predict the effect of sequence changes on RNA splicing suggest that this variant may create or strengthen a splice site. For these reasons, this variant has been classified as Pathogenic.

Literature cited by the submitters: PubMed 11528500; PubMed 23105016.

NM_020366.4(RPGRIP1):c.663dup (p.Asn222Ter)

Gene: RPGRIP1 (RPGR interacting protein 1; plus strand). Cytogenetic location: 14q11.2.
Variant type: Duplication.
Coding change: c.663dup on transcript NM_020366.4 (MANE Select); coding-DNA position 663, one base duplicated (T; older notation c.663dupT).
Protein change: p.Asn222Ter; replaces asparagine 222 with a stop codon.
Molecular consequence: nonsense.
Genome position (GRCh38, 1-based): chr14:21,303,406, T duplicated. VCF-style (leftmost placement, unchanged base first): chr14-21303405-C-CT. GRCh37 (hg19) VCF-style: chr14-21771564-C-CT.
Other names: short protein forms N222*.
Identifiers: ClinVar variation 1357904 (VCV001357904.6), dbSNP rs1233376985, ClinGen allele CA612367605.